The following is an entry in ClinVar:

NM_001845.6(COL4A1):c.196C>A (p.Gln66Lys)

Gene: COL4A1 (collagen type IV alpha 1 chain; minus strand). Cytogenetic location: 13q34.
Variant type: single nucleotide variant.
Coding change: c.196C>A on transcript NM_001845.6 (MANE Select); coding-DNA position 196, C replaced by A.
Protein change: p.Gln66Lys; replaces glutamine 66 with lysine.
Molecular consequence: missense variant.
Genome position (GRCh38, 1-based): chr13:110,213,964, G>T on the plus strand (C>A on the coding strand, the complement: COL4A1 is on the minus strand). VCF-style: chr13-110213964-G-T. GRCh37 (hg19) VCF-style: chr13-110866311-G-T.
Other names: c.196C>A (NM_001845.4); c.196C>A, p.Gln66Lys (NM_001303110.2); short protein forms Q66K.
Identifiers: ClinVar variation 807047 (VCV000807047.51), dbSNP rs751220553, ClinGen allele CA7048642.

ClinVar aggregate classification (germline): Uncertain significance. Review status: criteria provided, multiple submitters, no conflicts (2 of 4 stars). 7 submissions from 7 submitters: Uncertain significance (6). 1 of the submissions does not count toward it. Last evaluated 2025-10-04.

Conditions:
COL4A1-related disorder. Also called: COL4A1-related disorders; COL4A1-related condition. Identifiers: MedGen CN376119, MONDO:0800461.
Congenital anomaly of kidney and urinary tract. Also called: Congenital anomalies of kidney and urinary tract; Congenital anomalies of the kidney and urinary tract. Identifiers: Orphanet 93545, MedGen C1968949, MeSH C566906, MONDO:0019719.
Autosomal dominant familial hematuria-retinal arteriolar tortuosity-contractures syndrome. Also called: Angiopathy, hereditary, with nephropathy, aneurysms, and muscle cramps; Hereditary Angiopathy with Nephropathy, Aneurysms, and Muscle Cramps (HANAC) Syndrome. Identifiers: Orphanet 73229, MedGen C2673195, MONDO:0012726, OMIM 611773.
Brain small vessel disease 1 with or without ocular anomalies (BSVD1). Also called: GOULD SYNDROME 1; Brain small vessel disease with or without ocular anomalies; BRAIN SMALL VESSEL DISEASE WITH HEMORRHAGE; PORENCEPHALY, TYPE 1, AUTOSOMAL DOMINANT. Identifiers: Orphanet 2940, Orphanet 36383, Orphanet 99810, MedGen C4755307, MONDO:0008289, OMIM 175780.
Retinal arterial tortuosity. Also called: Retinal arteries, tortuosity of; RETINAL HEMORRHAGE WITH VASCULAR TORTUOSITY. Identifiers: Orphanet 75326, MedGen C0423401, MONDO:0008373, OMIM 180000, HP:0000631.
Microangiopathy and leukoencephalopathy, pontine, autosomal dominant. Also called: Pontine autosomal dominant microangiopathy with leukoencephalopathy; DEMENTIA, HEREDITARY MULTI-INFARCT, SWEDISH TYPE. Identifiers: Orphanet 477749, MedGen C5231411, MONDO:0032814, OMIM 618564.
Hemorrhage, intracerebral, susceptibility to (ICH). Also called: Stroke, hemorrhagic, susceptibility to. Identifiers: MedGen C3281105, MONDO:0100533, OMIM 614519.

Allele frequency attached by ClinVar (database versions not stated): gnomAD 0.00002; gnomAD exomes 0.00004 and 0.00007; TOPMed 0.00005; ExAC 0.00007.
gnomAD v4.1: 100 of 1,613,870 alleles (0.0062%); highest among the groups gnomAD compares: Non-Finnish European, 0.0076%; no homozygotes.

Submissions (7):

Labcorp Genetics (formerly Invitae), Labcorp
Classification: Uncertain significance. Last evaluated: 2025-10-04. Review status: criteria provided, single submitter. Criteria: Invitae Variant Classification Sherloc (09022015). Collection method: clinical testing. Allele origin: germline.
Comment: This sequence change replaces glutamine, which is neutral and polar, with lysine, which is basic and polar, at codon 66 of the COL4A1 protein (p.Gln66Lys). This variant is present in population databases (rs751220553, gnomAD 0.01%). This missense change has been observed in individual(s) with congenital anomalies of the kidney and urinary tract (PMID: 31230195). ClinVar contains an entry for this variant (Variation ID: 807047). Invitae Evidence Modeling of protein sequence and biophysical properties (such as structural, functional, and spatial information, amino acid conservation, physicochemical variation, residue mobility, and thermodynamic stability) has been performed for this missense variant. However, the output from this modeling did not meet the statistical confidence thresholds required to predict the impact of this variant on COL4A1 protein function. In summary, the available evidence is currently insufficient to determine the role of this variant in disease. Therefore, it has been classified as a Variant of Uncertain Significance.

Dasa
Classification: Uncertain significance. Last evaluated: 2025-09-04. Review status: criteria provided, single submitter. Criteria: DASA Assertion Criteria. Collection method: clinical testing. Allele origin: germline.
Comment: NM_001845.6(COL4A1):c.196C>A (p.Gln66Lys) is a missense variant that results in the substitution of glutamine with lysine. This variant has been reported in individuals with related phenotype (PMID: 31230195). Multiple computational predictions support a deleterious effect on the gene or gene product. The variant is present at low frequency in population datasets. Based on the available data, this variant is classified as variant of uncertain significance.

GeneDx
Classification: Uncertain significance. Last evaluated: 2024-04-24. Review status: criteria provided, single submitter. Criteria: GeneDx Variant Classification Process June 2021. Collection method: clinical testing. Allele origin: germline. Affected: yes.
Comment: Identified in three probands with congenital anomalies of the kidney and urinary tract (CAKUT) in published literature; in all three probands, the variant was inherited from an unaffected parent (PMID: 31230195); In silico analysis indicates that this missense variant does not alter protein structure/function; This variant is associated with the following publications: (PMID: 34426522, 31230195)

PreventionGenetics, part of Exact Sciences
Classification: Uncertain significance for COL4A1-related condition. Last evaluated: 2023-05-20. Review status: criteria provided, single submitter. Criteria: ACMG Guidelines, 2015. Collection method: clinical testing. Allele origin: germline.
Comment: The COL4A1 c.196C>A variant is predicted to result in the amino acid substitution p.Gln66Lys. This variant was reported in individuals with Congenital anomalies of the kidney and urinary tract (Table 1, Kitzler et al. 2019. PubMed ID: 31230195). This variant is reported in 0.012% of alleles in individuals of Latino descent in gnomAD. At this time, the clinical significance of this variant is uncertain due to the absence of conclusive functional and genetic evidence.

CeGaT Center for Human Genetics Tuebingen
Classification: Uncertain significance. Last evaluated: 2022-07-01. Review status: criteria provided, single submitter. Criteria: CeGaT Center For Human Genetics Tuebingen Variant Classification Criteria Version 2. Collection method: clinical testing. Allele origin: germline. Affected: yes. Observed: 2 variant alleles.

Fulgent Genetics
Classification: Uncertain significance for Brain small vessel disease 1 with or without ocular anomalies; Retinal arterial tortuosity; Autosomal dominant familial hematuria-retinal arteriolar tortuosity-contractures syndrome; Hemorrhage, intracerebral, susceptibility to; Microangiopathy and leukoencephalopathy, pontine, autosomal dominant. Last evaluated: 2021-12-01. Review status: criteria provided, single submitter. Criteria: ACMG Guidelines, 2015. Collection method: clinical testing. Allele origin: unknown.

Yale Center for Mendelian Genomics, Yale University
Classification: Likely pathogenic for Congenital anomaly of kidney and urinary tract. Last evaluated: 2019-06-22. Review status: no assertion criteria provided. Collection method: literature only. Allele origin: germline. Affected: yes. Observed: 3 heterozygotes. Study: Yale Center for Mendelian Genomics. Not counted in ClinVar's aggregate classification.

Literature cited by the submitters: PubMed 31230195 (cited by 3 submitters).